The following continues an entry in ClinVar:

NM_000551.4(VHL):c.631A>C (p.Met211Leu)

ClinVar aggregate classification (germline): Benign. Benign (1).

Submissions 10 to 15 of 15:

Color Diagnostics, LLC DBA Color Health
Classification: Uncertain significance for Von Hippel-Lindau syndrome. Last evaluated: 2024-02-08. Review status: criteria provided, single submitter. Criteria: ACMG Guidelines, 2015. Collection method: clinical testing. Allele origin: germline. Not counted in ClinVar's aggregate classification.
Comment: This missense variant replaces methionine with leucine at codon 211 of the VHL protein. Computational prediction is inconclusive regarding the impact of this variant on protein structure and function. To our knowledge, functional studies have not been reported for this variant. This variant has been reported in an individual affected with sporadic renal cell carcinoma along with a second VHL variant, c.3G>A, who lacks other manifestations or family history of von Hippel-Lindau syndrome (PMID: 31034483). This variant has been identified in 6/282108 chromosomes in the general population by the Genome Aggregation Database (gnomAD). The available evidence is insufficient to determine the role of this variant in disease conclusively. Therefore, this variant is classified as a Variant of Uncertain Significance.

Revvity Omics, Revvity
Classification: Uncertain significance. Last evaluated: 2023-09-06. Review status: criteria provided, single submitter. Criteria: ACMG Guidelines, 2015. Collection method: clinical testing. Allele origin: germline. Not counted in ClinVar's aggregate classification.

GeneDx
Classification: Likely benign. Last evaluated: 2021-02-12. Review status: criteria provided, single submitter. Criteria: GeneDx Variant Classification Process June 2021. Collection method: clinical testing. Allele origin: germline. Affected: yes. Not counted in ClinVar's aggregate classification.
Comment: Not observed at a significant frequency in large population cohorts (Lek et al., 2016); In silico analysis supports that this missense variant does not alter protein structure/function; This variant is associated with the following publications: (PMID: 25801821, 28202063, 31034483)

Ambry Genetics
Classification: Likely benign for Hereditary cancer-predisposing syndrome. Last evaluated: 2018-11-14. Review status: criteria provided, single submitter. Criteria: Ambry Variant Classification Scheme 2023. Collection method: clinical testing. Allele origin: germline. Not counted in ClinVar's aggregate classification.

Women's Health and Genetics/Laboratory Corporation of America, LabCorp
Classification: Uncertain significance. Last evaluated: 2018-05-15. Review status: criteria provided, single submitter. Criteria: LabCorp Variant Classification Summary - May 2015. Collection method: clinical testing. Allele origin: germline. Not counted in ClinVar's aggregate classification.
Comment: Variant summary: VHL c.631A>C (p.Met211Leu) results in a conservative amino acid change in the encoded protein sequence. Three of four in-silico tools predict a benign effect of the variant on protein function. The variant allele was found at a frequency of 2.5e-05 in 276540 control chromosomes (gnomAD). The observed variant frequency is approximately 1.2 fold above the estimated maximal expected allele frequency for a pathogenic variant in VHL causing Von Hippel-Lindau Syndrome phenotype (2.1e-05), suggesting that the variant might be benign. The variant, c.631A>C, has been reported in the literature in individuals affected with Breast Cancer (Jalkh_2017). This report does not provide unequivocal conclusions about association of the variant with Von Hippel-Lindau Syndrome. To our knowledge, no experimental evidence demonstrating an impact on protein function has been reported. Three clinical diagnostic laboratories have submitted clinical-significance assessments for this variant to ClinVar after 2014 without evidence for independent evaluation (2x likely benign, 1x uncertain significance). Based on the evidence outlined above, the variant was classified as VUS-possibly benign.

Clinical Genomics Labs, University Health Network
Classification: Uncertain significance for Von Hippel-Lindau syndrome. Last evaluated: 2019-10-30. Review status: no assertion criteria provided. Criteria: ACMG Guidelines, 2015. Collection method: clinical testing. Allele origin: germline. Not counted in ClinVar's aggregate classification.

Literature cited by the submitters: PubMed 28202063 (cited by 4 submitters); PubMed 31034483 (cited by 4 submitters).